The following is an entry in ClinVar:

ClinVar aggregate classification (germline): Uncertain significance. Review status: criteria provided, multiple submitters, no conflicts (2 of 4 stars). 2 submissions from 2 submitters: Uncertain significance (2). Last evaluated 2026-09-04.

Conditions:
RP1L1-related disorder. Also called: RP1L1-related condition.

gnomAD v4.1: 60 of 1,613,784 alleles (0.0037%); highest among the groups gnomAD compares: South Asian, 0.055%; 1 homozygote.

Submissions (2):

PreventionGenetics, part of Exact Sciences
Classification: Uncertain significance for RP1L1-related condition. Last evaluated: 2026-09-04. Review status: criteria provided, single submitter. Criteria: ACMG Guidelines, 2015. Collection method: clinical testing. Allele origin: germline.
Comment: The RP1L1 c.3581C>T variant is predicted to result in the amino acid substitution p.Thr1194Met. This variant has been reported in two individuals with occult macular dystrophy (Fujinami et al. 2016. PubMedID: 27623337; Table S1, Fujinami-Yokokawa et al. 2023. PubMed ID: 37895218). However, this variant has been reported along with c.3587C>T, p.Thr1196Ile in both individuals and was shown to be in cis (on the same allele) in one individual who was also homozygous for a c.6063delC, p.Asp2021GlufsTer3 in RP1L1 (Fujinami et al. 2016. PubMed ID: 27623337). This variant is reported in 0.046% of alleles in individuals of South Asian descent in gnomAD. At this time, the clinical significance of this variant is uncertain due to the absence of conclusive functional and genetic evidence.

Blueprint Genetics
Classification: Uncertain significance. Last evaluated: 2020-08-21. Review status: criteria provided, single submitter. Criteria: ACMG Guidelines, 2015. Collection method: clinical testing. Allele origin: germline.

NM_178857.6(RP1L1):c.3581C>T (p.Thr1194Met)

Gene: RP1L1 (RP1 like 1). Cytogenetic location: 8p23.1.
Variant type: single nucleotide variant.
Coding change: c.3581C>T on transcript NM_178857.6 (MANE Select); coding-DNA position 3581, C replaced by T.
Protein change: p.Thr1194Met; replaces threonine 1194 with methionine.
Molecular consequence: missense variant.
Genome position (GRCh38, 1-based): chr8:10,610,517, G>A on the plus strand (C>T on the coding strand, the complement: RP1L1 is on the minus strand). VCF-style: chr8-10610517-G-A. GRCh37 (hg19) VCF-style: chr8-10468027-G-A.
Other names: c.3581C>T (NM_178857.5); short protein forms T1194M.
Identifiers: ClinVar variation 4899181 (VCV004899181.2).